The following is an entry in ClinVar:

ClinVar aggregate classification (germline): Uncertain significance (1 of 4 stars; one submission).

Conditions:
Familial thoracic aortic aneurysm and aortic dissection (TAAD). Also called: Thoracic aortic aneurysms and dissections. Identifiers: Orphanet 91387, MedGen C4707243, MONDO:0019625.

Submission:

Labcorp Genetics (formerly Invitae), Labcorp
Classification: Uncertain significance for Familial thoracic aortic aneurysm and aortic dissection. Last evaluated: 2025-08-29. Review status: criteria provided, single submitter. Criteria: Invitae Variant Classification Sherloc (09022015). Collection method: clinical testing. Allele origin: germline.
Comment: This sequence change replaces isoleucine, which is neutral and non-polar, with leucine, which is neutral and non-polar, at codon 235 of the SMAD3 protein (p.Ile235Leu). This variant is not present in population databases (gnomAD no frequency). This variant has not been reported in the literature in individuals affected with SMAD3-related conditions. Invitae Evidence Modeling of protein sequence and biophysical properties (such as structural, functional, and spatial information, amino acid conservation, physicochemical variation, residue mobility, and thermodynamic stability) indicates that this missense variant is not expected to disrupt SMAD3 protein function with a negative predictive value of 80%. In summary, the available evidence is currently insufficient to determine the role of this variant in disease. Therefore, it has been classified as a Variant of Uncertain Significance.

NM_005902.4(SMAD3):c.703A>C (p.Ile235Leu)

Gene: SMAD3 (SMAD family member 3; plus strand). Cytogenetic location: 15q22.33.
Variant type: single nucleotide variant.
Coding change: c.703A>C on transcript NM_005902.4 (MANE Select); coding-DNA position 703, A replaced by C.
Protein change: p.Ile235Leu; replaces isoleucine 235 with leucine.
Molecular consequence: missense variant.
Genome position (GRCh38, 1-based): chr15:67,181,285, A>C. VCF-style: chr15-67181285-A-C. GRCh37 (hg19) VCF-style: chr15-67473623-A-C.
Other names: c.388A>C, p.Ile130Leu (NM_001145102.2, NM_001407016.1); c.571A>C, p.Ile191Leu (NM_001145103.2, NM_001407012.1); c.118A>C, p.Ile40Leu (NM_001145104.2, NM_001407017.1); c.703A>C, p.Ile235Leu (NM_001407011.1, NM_001407013.1); c.556A>C, p.Ile186Leu (NM_001407014.1); c.256A>C, p.Ile86Leu (NM_001407015.1); short protein forms I186L, I86L, I191L, I235L, I130L, I40L.
Identifiers: ClinVar variation 4742588 (VCV004742588.1).